The following is an entry in ClinVar:

NM_001303256.3(MORC2):c.2984A>G (p.Gln995Arg)

Gene: MORC2 (MORC family CW-type zinc finger 2; minus strand). Cytogenetic location: 22q12.2.
Variant type: single nucleotide variant.
Coding change: c.2984A>G on transcript NM_001303256.3 (MANE Select); coding-DNA position 2984, A replaced by G.
Protein change: p.Gln995Arg; replaces glutamine 995 with arginine.
Molecular consequence: missense variant.
Genome position (GRCh38, 1-based): chr22:30,928,065, T>C on the plus strand (A>G on the coding strand, the complement: MORC2 is on the minus strand). VCF-style: chr22-30928065-T-C. GRCh37 (hg19) VCF-style: chr22-31324052-T-C.
Other names: c.2984A>G, p.Gln995Arg (NM_001303257.2); c.2798A>G, p.Gln933Arg (NM_014941.3); short protein forms Q995R, Q933R.
Identifiers: ClinVar variation 5000879 (VCV005000879.1).

ClinVar aggregate classification (germline): Uncertain significance (1 of 4 stars; one submission).

Conditions:
MORC2-related disorder. Also called: MORC2-related condition.

gnomAD v4.1: 1 of 1,613,928 alleles (0.000062%); highest among the groups gnomAD compares: Non-Finnish European, 0.000085%; no homozygotes.

Submission:

PreventionGenetics, part of Exact Sciences
Classification: Uncertain significance for MORC2-related condition. Last evaluated: 2025-07-09. Review status: criteria provided, single submitter. Criteria: ACMG Guidelines, 2015. Collection method: clinical testing. Allele origin: germline.
Comment: The MORC2 c.2984A>G variant is predicted to result in the amino acid substitution p.Gln995Arg. To our knowledge, this variant has not been reported in the literature or in a large population database (gnomAD), indicating this variant is rare. At this time, the clinical significance of this variant is uncertain due to the absence of conclusive functional and genetic evidence.